The following is an entry in ClinVar:

NM_201596.3(CACNB2):c.1936C>T (p.Arg646Trp)

Gene: CACNB2 (calcium voltage-gated channel auxiliary subunit beta 2; plus strand). Cytogenetic location: 10p12.31.
Variant type: single nucleotide variant.
Coding change: c.1936C>T on transcript NM_201596.3 (MANE Select); coding-DNA position 1936, C replaced by T.
Protein change: p.Arg646Trp; replaces arginine 646 with tryptophan.
Molecular consequence: missense variant.
Genome position (GRCh38, 1-based): chr10:18,539,677, C>T. VCF-style: chr10-18539677-C-T. GRCh37 (hg19) VCF-style: chr10-18828606-C-T.
Other names: c.1771C>T, p.Arg591Trp (NM_000724.4); c.1738C>T, p.Arg580Trp (NM_001167945.2); c.1657C>T, p.Arg553Trp (NM_001330060.2); c.1792C>T, p.Arg598Trp (NM_201570.3); c.1852C>T, p.Arg618Trp (NM_201571.4); c.1780C>T, p.Arg594Trp (NM_201572.4); c.1774C>T, p.Arg592Trp (NM_201590.3); c.1822C>T, p.Arg608Trp (NM_201593.3); and 1 more; short protein forms R592W, R646W, R622W, R580W, R598W, R608W, R553W, R594W.
Identifiers: ClinVar variation 299567 (VCV000299567.14), dbSNP rs546669133, ClinGen allele CA5430212.

ClinVar aggregate classification (germline): Conflicting classifications of pathogenicity. Review status: criteria provided, conflicting classifications (1 of 4 stars). 5 submissions from 5 submitters: Uncertain significance (2); Likely benign (3). Last evaluated 2025-12-14.

Conditions:
CACNB2-related disorder. Also called: CACNB2-related condition.
Cardiovascular phenotype. Identifiers: MedGen CN230736.
Brugada syndrome 4 (BRGDA4). Identifiers: Orphanet 130, MedGen C2678477, MONDO:0012743, OMIM 611876.

Allele frequency attached by ClinVar (database versions not stated): ExAC 0.00010; gnomAD exomes 0.00011; 1000 Genomes Project 30x 0.00016; 1000 Genomes Project 0.00020; gnomAD 0.00024 and 0.00026; TOPMed 0.00036.
gnomAD v4.1: 138 of 1,611,838 alleles (0.0086%); highest among the groups gnomAD compares: African/African-American, 0.073%; 1 homozygote.

Submissions (5):

Labcorp Genetics (formerly Invitae), Labcorp
Classification: Uncertain significance for Brugada syndrome 4. Last evaluated: 2025-12-14. Review status: criteria provided, single submitter. Criteria: Invitae Variant Classification Sherloc (09022015). Collection method: clinical testing. Allele origin: germline.
Comment: This sequence change replaces arginine, which is basic and polar, with tryptophan, which is neutral and slightly polar, at codon 592 of the CACNB2 protein (p.Arg592Trp). This variant is present in population databases (rs546669133, gnomAD 0.06%), and has an allele count higher than expected for a pathogenic variant. This variant has not been reported in the literature in individuals affected with CACNB2-related conditions. ClinVar contains an entry for this variant (Variation ID: 299567). An algorithm developed to predict the effect of missense changes on protein structure and function (PolyPhen-2) suggests that this variant is likely to be disruptive. In summary, the available evidence is currently insufficient to determine the role of this variant in disease. Therefore, it has been classified as a Variant of Uncertain Significance.

PreventionGenetics, part of Exact Sciences
Classification: Likely benign for CACNB2-related condition. Last evaluated: 2025-05-12. Review status: criteria provided, single submitter. Criteria: ACMG Guidelines, 2015. Collection method: clinical testing. Allele origin: germline.
Comment: This variant is classified as likely benign based on ACMG/AMP sequence variant interpretation guidelines (Richards et al. 2015 PMID: 25741868, with internal and published modifications).

Ambry Genetics
Classification: Likely benign for Cardiovascular phenotype. Last evaluated: 2022-09-29. Review status: criteria provided, single submitter. Criteria: Ambry Variant Classification Scheme 2023. Collection method: clinical testing. Allele origin: germline.

GeneDx
Classification: Likely benign. Last evaluated: 2021-04-21. Review status: criteria provided, single submitter. Criteria: GeneDx Variant Classification Process June 2021. Collection method: clinical testing. Allele origin: germline. Affected: yes.

Fulgent Genetics
Classification: Uncertain significance for Brugada syndrome 4. Last evaluated: 2018-10-31. Review status: criteria provided, single submitter. Criteria: ACMG Guidelines, 2015. Collection method: clinical testing. Allele origin: unknown.